The following is an entry in ClinVar:

NM_004655.4(AXIN2):c.1713-18G>A

Gene: AXIN2 (axin 2; minus strand). Cytogenetic location: 17q24.1.
Variant type: single nucleotide variant.
Coding change: c.1713-18G>A on transcript NM_004655.4 (MANE Select); 18 bases into the intron before coding-DNA position 1713, G replaced by A.
Molecular consequence: intron variant.
Genome position (GRCh38, 1-based): chr17:65,537,081, C>T on the plus strand (G>A on the coding strand, the complement: AXIN2 is on the minus strand). VCF-style: chr17-65537081-C-T. GRCh37 (hg19) VCF-style: chr17-63533199-C-T.
Other names: c.1713-18G>A (LRG_296t1); c.1712+243G>A (NM_001363813.1).
Identifiers: ClinVar variation 136485 (VCV000136485.26), dbSNP rs147664289, ClinGen allele CA289647.

ClinVar aggregate classification (germline): Benign/Likely benign. Review status: criteria provided, multiple submitters, no conflicts (2 of 4 stars). 9 submissions from 9 submitters: Benign (5); Likely benign (3). 1 of the submissions does not count toward it. Last evaluated 2026-02-03.

Conditions:
Oligodontia-cancer predisposition syndrome. Also called: TOOTH AGENESIS-COLORECTAL CANCER SYNDROME. Identifiers: Orphanet 300576, MedGen C1837750, MONDO:0012075, OMIM 608615. Disease mechanism: loss of function.

Allele frequency attached by ClinVar (database versions not stated): 1000 Genomes Project 30x 0.00109; 1000 Genomes Project 0.00140; ESP Exome Variant Server 0.00154; ExAC 0.00155; gnomAD exomes 0.00167; gnomAD 0.00169 and 0.00171; TOPMed 0.00211.
gnomAD v4.1: 2,529 of 1,597,080 alleles (0.16%); highest among the groups gnomAD compares: Middle Eastern, 0.62%; 8 homozygotes.

Submissions (9):

Labcorp Genetics (formerly Invitae), Labcorp
Classification: Benign for Oligodontia-cancer predisposition syndrome. Last evaluated: 2026-02-03. Review status: criteria provided, single submitter. Criteria: Invitae Variant Classification Sherloc (09022015). Collection method: clinical testing. Allele origin: germline.

Center for Genomic Medicine, Rigshospitalet, Copenhagen University Hospital
Classification: Likely benign. Last evaluated: 2025-03-04. Review status: criteria provided, single submitter. Criteria: ACMG Guidelines, 2015. Collection method: clinical testing. Allele origin: germline.

Blueprint Genetics
Classification: Likely benign. Last evaluated: 2024-11-28. Review status: criteria provided, single submitter. Criteria: ACMG Guidelines, 2015. Collection method: clinical testing. Allele origin: germline.

Myriad Genetics, Inc.
Classification: Likely benign for Oligodontia-cancer predisposition syndrome. Last evaluated: 2024-07-08. Review status: criteria provided, single submitter. Criteria: Myriad Autosomal Dominant, Autosomal Recessive and X-Linked Classification Criteria (2023). Collection method: clinical testing. Allele origin: unknown.
Comment: This variant is considered likely benign. This variant is intronic and is not expected to impact mRNA splicing.

ARUP Laboratories, Molecular Genetics and Genomics, ARUP Laboratories
Classification: Benign. Last evaluated: 2024-03-25. Review status: criteria provided, single submitter. Criteria: ARUP Molecular Germline Variant Investigation Process 2024. Collection method: clinical testing. Allele origin: germline.

KCCC/NGS Laboratory, Kuwait Cancer Control Center
Classification: Benign for Oligodontia-cancer predisposition syndrome. Last evaluated: 2023-07-07. Review status: criteria provided, single submitter. Criteria: ACMG Guidelines, 2015. Collection method: clinical testing. Allele origin: germline. Affected: yes.

GeneDx
Classification: Benign. Last evaluated: 2014-02-20. Review status: criteria provided, single submitter. Criteria: GeneDx Variant Classification (06012015). Collection method: clinical testing. Allele origin: germline. Affected: yes.
Comment: This variant is considered likely benign or benign based on one or more of the following criteria: it is a conservative change, it occurs at a poorly conserved position in the protein, it is predicted to be benign by multiple in silico algorithms, and/or has population frequency not consistent with disease.

Breakthrough Genomics
Classification: Benign. Review status: criteria provided, single submitter. Criteria: ACMG Guidelines, 2015. Collection method: not provided. Allele origin: germline. Inheritance: Autosomal dominant inheritance. Affected: yes.

Mayo Clinic Laboratories, Mayo Clinic
Classification: Likely benign. Review status: no assertion criteria provided. Collection method: clinical testing. Allele origin: unknown. Not counted in ClinVar's aggregate classification.